The following is an entry in ClinVar:

ClinVar aggregate classification (germline): Uncertain significance (1 of 4 stars; one submission).

Conditions:
Hereditary cancer-predisposing syndrome. Also called: Neoplastic Syndromes, Hereditary; Tumor predisposition; Hereditary Cancer Syndrome; Hereditary neoplastic syndrome. Identifiers: Orphanet 140162, MedGen C0027672, MeSH D009386, MONDO:0015356.

Submission:

Ambry Genetics
Classification: Uncertain significance for Hereditary cancer-predisposing syndrome. Last evaluated: 2022-07-30. Review status: criteria provided, single submitter. Criteria: Ambry Variant Classification Scheme 2023. Collection method: clinical testing. Allele origin: germline.
Comment: The p.Y55S variant (also known as c.164A>C), located in coding exon 1 of the PTCH1 gene, results from an A to C substitution at nucleotide position 164. The tyrosine at codon 55 is replaced by serine, an amino acid with dissimilar properties. This amino acid position is conserved. In addition, the in silico prediction for this alteration is inconclusive. Since supporting evidence is limited at this time, the clinical significance of this alteration remains unclear.

NM_000264.5(PTCH1):c.164A>C (p.Tyr55Ser)

Gene: PTCH1 (patched 1; minus strand). Cytogenetic location: 9q22.32.
Variant type: single nucleotide variant.
Coding change: c.164A>C on transcript NM_000264.5 (MANE Select); coding-DNA position 164, A replaced by C.
Protein change: p.Tyr55Ser; replaces tyrosine 55 with serine.
Molecular consequence: missense variant. On other transcripts: non-coding transcript variant (1), intron variant (3).
Genome position (GRCh38, 1-based): chr9:95,508,198, T>G on the plus strand (A>C on the coding strand, the complement: PTCH1 is on the minus strand). VCF-style: chr9-95508198-T-G. GRCh37 (hg19) VCF-style: chr9-98270480-T-G.
Other names: c.164A>C, p.Tyr55Ser (NM_001354918.2); c.199-1599A>C (NM_001083603.3); c.4-1599A>C (NM_001083602.3, NM_001354919.2); short protein forms Y55S.
Identifiers: ClinVar variation 1777214 (VCV001777214.2), dbSNP rs1205081001, ClinGen allele CA374121320.
Genomic context (GRCh38, chr9:95,508,198, plus strand): 5'-GGAGGAGAGAGTCTGAAATGCACCTTGGAAATCTGCTCCAGAGCGAAGGCGGCGTCGCAG[T>G]AGCTGGGCCGGTGCAGATAGTCCCGGTCCGGCGCGGCAGCACGGCGCAGCCCCCCCGTCC-3'
Protein context (NP_000255.2, residues 45-65): PDRDYLHRPS[Tyr55Ser]CDAAFALEQI